The following is an entry in ClinVar:

ClinVar aggregate classification (germline): Conflicting classifications of pathogenicity. Review status: criteria provided, conflicting classifications (1 of 4 stars). 4 submissions from 4 submitters: Uncertain significance (3); Likely benign (1). Last evaluated 2025-04-09.

Conditions:
Hereditary cancer-predisposing syndrome. Also called: Tumor predisposition; Hereditary neoplastic syndrome; Neoplastic Syndromes, Hereditary; Hereditary Cancer Syndrome. Identifiers: Orphanet 140162, MedGen C0027672, MeSH D009386, MONDO:0015356.
Hereditary breast ovarian cancer syndrome. Also called: BRCA1- and BRCA2-Associated Hereditary Breast and Ovarian Cancer; Hereditary breast and ovarian cancer; Hereditary breast and/or ovarian cancer syndrome; Hereditary breast and ovarian cancer syndrome; Hereditary breast and ovarian cancer syndrome (HBOC); Breast and ovarian cancer. Identifiers: Orphanet 145, MedGen C0677776, MeSH D061325, MONDO:0003582. Disease mechanism: loss of function.

Submissions (4):

Labcorp Genetics (formerly Invitae), Labcorp
Classification: Uncertain significance for Hereditary breast ovarian cancer syndrome. Last evaluated: 2025-04-09. Review status: criteria provided, single submitter. Criteria: Invitae Variant Classification Sherloc (09022015). Collection method: clinical testing. Allele origin: germline.
Comment: This sequence change replaces serine, which is neutral and polar, with arginine, which is basic and polar, at codon 646 of the BRCA2 protein (p.Ser646Arg). This variant is not present in population databases (gnomAD no frequency). This variant has not been reported in the literature in individuals affected with BRCA2-related conditions. ClinVar contains an entry for this variant (Variation ID: 1498140). Invitae Evidence Modeling of protein sequence and biophysical properties (such as structural, functional, and spatial information, amino acid conservation, physicochemical variation, residue mobility, and thermodynamic stability) indicates that this missense variant is not expected to disrupt BRCA2 protein function with a negative predictive value of 95%. RNA analysis performed to evaluate the impact of this missense change on mRNA splicing indicates it does not significantly alter splicing (internal data). In summary, the available evidence is currently insufficient to determine the role of this variant in disease. Therefore, it has been classified as a Variant of Uncertain Significance.

Color Diagnostics, LLC DBA Color Health
Classification: Uncertain significance for Hereditary cancer-predisposing syndrome. Last evaluated: 2024-11-25. Review status: criteria provided, single submitter. Criteria: ACMG Guidelines, 2015. Collection method: clinical testing. Allele origin: germline.
Comment: This missense variant replaces serine with arginine at codon 646 of the BRCA2 protein. Computational prediction suggests that this variant may not impact protein structure and function (internally defined REVEL score threshold <= 0.5, PMID: 27666373). To our knowledge, functional studies have not been reported for this variant. This variant has not been reported in individuals affected with BRCA2-related disorders in the literature. This variant has not been identified in the general population by the Genome Aggregation Database (gnomAD). The available evidence is insufficient to determine the role of this variant in disease conclusively. Therefore, this variant is classified as a Variant of Uncertain Significance.

University of Washington Department of Laboratory Medicine, University of Washington
Classification: Likely benign for Hereditary cancer-predisposing syndrome. Last evaluated: 2023-03-23. Review status: criteria provided, single submitter. Criteria: Dines et al. (Genet Med. 2020). Collection method: curation. Allele origin: germline.
Comment: Missense variant in a coldspot region where missense variants are very unlikely to be pathogenic (PMID:31911673).

BRCA2 exon 11 coldspot. Reclassification based on statistical prior probability.

Ambry Genetics
Classification: Uncertain significance for Hereditary cancer-predisposing syndrome. Last evaluated: 2022-12-28. Review status: criteria provided, single submitter. Criteria: Ambry Variant Classification Scheme 2023. Collection method: clinical testing. Allele origin: germline.
Comment: The p.S646R variant (also known as c.1938C>G), located in coding exon 10 of the BRCA2 gene, results from a C to G substitution at nucleotide position 1938. The serine at codon 646 is replaced by arginine, an amino acid with dissimilar properties. This amino acid position is poorly conserved in available vertebrate species. In addition, this alteration is predicted to be tolerated by in silico analysis. Since supporting evidence is limited at this time, the clinical significance of this alteration remains unclear.

NM_000059.4(BRCA2):c.1938C>G (p.Ser646Arg)

Gene: BRCA2 (BRCA2 DNA repair associated; plus strand). Cytogenetic location: 13q13.1.
Variant type: single nucleotide variant.
Coding change: c.1938C>G on transcript NM_000059.4 (MANE Select); coding-DNA position 1938, C replaced by G.
Protein change: p.Ser646Arg; replaces serine 646 with arginine.
Molecular consequence: missense variant.
Genome position (GRCh38, 1-based): chr13:32,336,293, C>G. VCF-style: chr13-32336293-C-G. GRCh37 (hg19) VCF-style: chr13-32910430-C-G.
Other names: c.1938C>G (NM_000059.3); short protein forms S646R.
Identifiers: ClinVar variation 1498140 (VCV001498140.12), dbSNP rs28897711, ClinGen allele CA387768347.
Genomic context (GRCh38, chr13:32,336,293, plus strand): 5'-TTAATTTTGTCACTTTGTGTTTTTATGTTTAGGTTTATTGCATTCTTCTGTGAAAAGAAG[C>G]TGTTCACAGAATGATTCTGAAGAACCAACTTTGTCCTTAACTAGCTCTTTTGGGACAATT-3'
Protein context (NP_000050.3, residues 636-656): SGLLHSSVKR[Ser646Arg]CSQNDSEEPT